The following is an entry in ClinVar:

ClinVar aggregate classification (germline): Uncertain significance (1 of 4 stars; one submission).

Conditions:
Fanconi anemia (FA). Also called: Fanconi's anemia. Identifiers: Orphanet 84, MedGen C0015625, MeSH D005199, MONDO:0019391.

Submission:

Labcorp Genetics (formerly Invitae), Labcorp
Classification: Uncertain significance for Fanconi anemia. Last evaluated: 2025-12-20. Review status: criteria provided, single submitter. Criteria: Invitae Variant Classification Sherloc (09022015). Collection method: clinical testing. Allele origin: germline.
Comment: This sequence change replaces leucine, which is neutral and non-polar, with phenylalanine, which is neutral and non-polar, at codon 155 of the FANCC protein (p.Leu155Phe). This variant is not present in population databases (gnomAD no frequency). This variant has not been reported in the literature in individuals affected with FANCC-related conditions. Invitae Evidence Modeling of protein sequence and biophysical properties (such as structural, functional, and spatial information, amino acid conservation, physicochemical variation, residue mobility, and thermodynamic stability) has been performed for this missense variant. However, the output from this modeling did not meet the statistical confidence thresholds required to predict the impact of this variant on FANCC protein function. In summary, the available evidence is currently insufficient to determine the role of this variant in disease. Therefore, it has been classified as a Variant of Uncertain Significance.

NM_000136.3(FANCC):c.465A>T (p.Leu155Phe)

Gene: FANCC (FA complementation group C; minus strand). Cytogenetic location: 9q22.32.
Variant type: single nucleotide variant.
Coding change: c.465A>T on transcript NM_000136.3 (MANE Select); coding-DNA position 465, A replaced by T.
Protein change: p.Leu155Phe; replaces leucine 155 with phenylalanine.
Molecular consequence: missense variant.
Genome position (GRCh38, 1-based): chr9:95,171,135, T>A on the plus strand (A>T on the coding strand, the complement: FANCC is on the minus strand). VCF-style: chr9-95171135-T-A. GRCh37 (hg19) VCF-style: chr9-97933417-T-A.
Other names: c.465A>T, p.Leu155Phe (NM_001243743.2, NM_001243744.2); short protein forms L155F.
Identifiers: ClinVar variation 4766811 (VCV004766811.1).